The following is an entry in ClinVar:

ClinVar aggregate classification (germline): Likely pathogenic (1 of 4 stars; one submission).

Conditions:
Lamb-Shaffer syndrome. Identifiers: Orphanet 313884, Orphanet 313892, Orphanet 530983, MedGen C4225202, MONDO:0014778, OMIM 616803.

Submission:

3billion
Classification: Likely pathogenic for Lamb-Shaffer syndrome. Last evaluated: 2024-01-18. Review status: criteria provided, single submitter. Criteria: ACMG Guidelines, 2015. Collection method: clinical testing. Allele origin: germline. Affected: yes.
Comment: The variant is not observed in the gnomAD v2.1.1 dataset. Predicted Consequence/Location: Stop-gained (nonsense): predicted to result in a loss or disruption of normal protein function through nonsense-mediated decay (NMD) or protein truncation. Multiple pathogenic variants are reported downstream of the variant. Therefore, this variant is classified as Likely pathogenic according to the recommendation of ACMG/AMP guideline.

NM_006940.6(SOX5):c.1516C>T (p.Gln506Ter)

Gene: SOX5 (SRY-box transcription factor 5; minus strand). Cytogenetic location: 12p12.1.
Variant type: single nucleotide variant.
Coding change: c.1516C>T on transcript NM_006940.6 (MANE Select); coding-DNA position 1516, C replaced by T.
Protein change: p.Gln506Ter; replaces glutamine 506 with a stop codon.
Molecular consequence: nonsense.
Genome position (GRCh38, 1-based): chr12:23,546,397, G>A on the plus strand (C>T on the coding strand, the complement: SOX5 is on the minus strand). VCF-style: chr12-23546397-G-A. GRCh37 (hg19) VCF-style: chr12-23699331-G-A.
Other names: c.1153C>T, p.Gln385Ter (NM_001261414.3); c.1486C>T, p.Gln496Ter (NM_001261415.3); c.1411C>T, p.Gln471Ter (NM_001330785.2); c.1477C>T, p.Gln493Ter (NM_152989.5); c.358C>T, p.Gln120Ter (NM_178010.4); short protein forms Q120*, Q385*, Q471*, Q493*, Q496*, Q506*.
Identifiers: ClinVar variation 3775552 (VCV003775552.1).